The following is an entry in ClinVar:

ClinVar aggregate classification (germline): Likely benign. Review status: criteria provided, multiple submitters, no conflicts (2 of 4 stars). 2 submissions from 2 submitters: Likely benign (2). Last evaluated 2025-04-11.

Conditions:
Marfan syndrome (MFS). Also called: MARFAN SYNDROME, TYPE I; FBN1-Related Marfan Syndrome; Marfan syndrome type 1; Marfan's syndrome; Marfan syndrome, classic. Identifiers: Orphanet 284963, Orphanet 558, MedGen C0024796, MONDO:0007947, OMIM 154700.
Familial thoracic aortic aneurysm and aortic dissection (TAAD). Also called: Thoracic aortic aneurysms and dissections. Identifiers: Orphanet 91387, MedGen C4707243, MONDO:0019625.

Allele frequency attached by ClinVar (database versions not stated): gnomAD 0.00009 and 0.00011; ExAC 0.00005; TOPMed 0.00012; ESP Exome Variant Server 0.00008.
gnomAD v4.1: 26 of 1,612,996 alleles (0.0016%); highest among the groups gnomAD compares: African/African-American, 0.032%; no homozygotes.

Submissions (2):

Labcorp Genetics (formerly Invitae), Labcorp
Classification: Likely benign for Marfan syndrome; Familial thoracic aortic aneurysm and aortic dissection. Last evaluated: 2025-04-11. Review status: criteria provided, single submitter. Criteria: Invitae Variant Classification Sherloc (09022015). Collection method: clinical testing. Allele origin: germline.

Women's Health and Genetics/Laboratory Corporation of America, LabCorp
Classification: Likely benign. Last evaluated: 2017-08-03. Review status: criteria provided, single submitter. Criteria: LabCorp Variant Classification Summary - May 2015. Collection method: clinical testing. Allele origin: germline.
Comment: Variant summary: c.3964+12C>T in FBN1 gene is an intronic change that involves a non-conserved nucleotide. 5/5 programs in Alamut predict that this variant does not affect a normal splicing, however no functional studies supporting this notion were published at the time of evaluation. The variant is present in the control population dataset of ExAC at frequency of 0.00005 (6/121088 chrs tested), predominantly in individuals of African descent (0.00048; 5/10354chrs tested). The variant is reported in Africans at similar frequency in gnomAD dataset (0.00046; 11/24028). These individual frequencies exceed the maximum expected allele frequency for a pathogenic variant of 0.00011, suggesting that it is an ethnic polymorphism. The variant of interest has not, to our knowledge, been reported in affected individuals in published reports or cited by reputable databases/clinical laboratory. Taking together, the variant was classified as Likely Benign.

NM_000138.5(FBN1):c.3964+12C>T

Gene: FBN1 (fibrillin 1; minus strand). Cytogenetic location: 15q21.1.
Variant type: single nucleotide variant.
Coding change: c.3964+12C>T on transcript NM_000138.5 (MANE Select); 12 bases into the intron after coding-DNA position 3964, C replaced by T.
Molecular consequence: intron variant.
Genome position (GRCh38, 1-based): chr15:48,481,643, G>A on the plus strand (C>T on the coding strand, the complement: FBN1 is on the minus strand). VCF-style: chr15-48481643-G-A. GRCh37 (hg19) VCF-style: chr15-48773840-G-A.
Identifiers: ClinVar variation 495601 (VCV000495601.5), dbSNP rs371986991, ClinGen allele CA051737.